The following is an entry in ClinVar:

ClinVar aggregate classification (germline): Conflicting classifications of pathogenicity. Review status: criteria provided, conflicting classifications (1 of 4 stars). 8 submissions from 8 submitters: Uncertain significance (5); Likely benign (2). 1 of the submissions does not count toward it. Last evaluated 2026-01-06.

Conditions:
RECQL4-related disorder. Also called: RECQL4-related condition; RECQL4-related disorders.
Rothmund-Thomson syndrome type 2 (RTS2). Identifiers: Orphanet 221016, MedGen C5203410, MONDO:0016369, OMIM 268400.
Rapadilino syndrome. Identifiers: Orphanet 3021, MedGen C1849453, MONDO:0009955, OMIM 266280.
Baller-Gerold syndrome (BGS). Also called: CRANIOSYNOSTOSIS WITH RADIAL DEFECTS. Identifiers: Orphanet 1225, MedGen C0265308, MONDO:0009039, OMIM 218600.
Rothmund-Thomson syndrome (RTS). Also called: Poikiloderma Congenitale; Poikiloderma of Rothmund-Thomson. Identifiers: Orphanet 2909, MedGen C0032339, MONDO:0010002.
Hereditary cancer-predisposing syndrome. Also called: Neoplastic Syndromes, Hereditary; Tumor predisposition; Hereditary Cancer Syndrome; Hereditary neoplastic syndrome. Identifiers: Orphanet 140162, MedGen C0027672, MeSH D009386, MONDO:0015356.

Allele frequency attached by ClinVar (database versions not stated): 1000 Genomes Project 30x 0.00016; 1000 Genomes Project 0.00020; TOPMed 0.00051.
gnomAD v4.1: 151 of 1,612,324 alleles (0.0094%); highest among the groups gnomAD compares: African/African-American, 0.18%; no homozygotes.

Submissions (10):

Labcorp Genetics (formerly Invitae), Labcorp
Classification: Likely benign for Baller-Gerold syndrome. Last evaluated: 2026-01-06. Review status: criteria provided, single submitter. Criteria: Invitae Variant Classification Sherloc (09022015). Collection method: clinical testing. Allele origin: germline.

PreventionGenetics, part of Exact Sciences
Classification: Likely benign for RECQL4-related condition. Last evaluated: 2025-08-11. Review status: criteria provided, single submitter. Criteria: ACMG Guidelines, 2015. Collection method: clinical testing. Allele origin: germline.
Comment: This variant is classified as likely benign based on ACMG/AMP sequence variant interpretation guidelines (Richards et al. 2015 PMID: 25741868, with internal and published modifications).

St. Jude Molecular Pathology, St. Jude Children's Research Hospital
Classification: Uncertain significance for Rothmund-Thomson syndrome type 2. Last evaluated: 2024-05-01. Review status: criteria provided, single submitter. Criteria: St. Jude Assertion Criteria 2020. Collection method: clinical testing. Allele origin: germline.
Comment: The RECQL4 c.3172C>G (p.Arg1058Gly) missense change has a maximum subpopulation frequency of 0.19% in gnomAD v2.1.1. In silico tools predict a deleterious effect on protein function, but to our knowledge this prediction has not been confirmed by functional studies. To our knowledge, this variant has not been reported in individuals with RECQL4-associated conditions. In summary, the evidence currently available is insufficient to determine the clinical significance of this variant. It has therefore been classified as of uncertain significance.

GeneDx
Classification: Uncertain significance. Last evaluated: 2023-08-10. Review status: criteria provided, single submitter. Criteria: GeneDx Variant Classification Process June 2021. Collection method: clinical testing. Allele origin: germline. Affected: yes.
Comment: In silico analysis supports that this missense variant has a deleterious effect on protein structure/function; Identified in healthy individuals undergoing whole genome sequencing (Bodian et al., 2014); This variant is associated with the following publications: (PMID: 24728327)

Blueprint Genetics
Classification: Uncertain significance. Last evaluated: 2022-11-01. Review status: criteria provided, single submitter. Criteria: ACMG Guidelines, 2015. Collection method: clinical testing. Allele origin: germline.

Sema4
Classification: Uncertain significance for Hereditary cancer-predisposing syndrome. Last evaluated: 2021-11-17. Review status: criteria provided, single submitter. Criteria: Sema4 Curation Guidelines. Collection method: curation. Allele origin: germline.
Comment: The RECQL4 c.3172C>G (p.R1058G) variant has not been reported in the literature to our knowledge. It was observed in 45/23860 chromosomes of the African/African American (AFR) subpopulation in the large and broad cohorts of the Genome Aggregation Database (PMID: 32461654). This variant has been reported in ClinVar (Variation ID 135144). In silico tools suggest the impact of the variant on protein function is benign, though these predictions have not been confirmed by functional studies. The evidence is insufficient to meet ACMG/AMP criteria for classifying the variant as benign or pathogenic. Thus, the clinical significance of this variant is currently uncertain.

Fulgent Genetics
Classification: Uncertain significance for Baller-Gerold syndrome; Rapadilino syndrome; Rothmund-Thomson syndrome type 2. Last evaluated: 2018-10-31. Review status: criteria provided, single submitter. Criteria: ACMG Guidelines, 2015. Collection method: clinical testing. Allele origin: unknown.

ITMI
No classification provided. Condition: AllHighlyPenetrant. Last evaluated: 2013-09-19. Review status: no classification provided. Collection method: reference population. Allele origin: germline. Not counted in ClinVar's aggregate classification.
Comment: Please see associated publication for description of ethnicities

Dr. Peter K. Rogan Lab, Western University
No classification provided (evidence only). Condition: Ovarian serous cystadenocarcinoma. Review status: no classification provided. Collection method: in vitro. Allele origin: not applicable. Functional consequence: retained intron. Not counted in ClinVar's aggregate classification.

Dr. Peter K. Rogan Lab, Western University
No classification provided (evidence only). Condition: Gastric cancer. Review status: no classification provided. Collection method: in vitro. Allele origin: not applicable. Functional consequence: retained intron. Not counted in ClinVar's aggregate classification.

Literature cited by the submitters: PubMed 24728327 (cited by ITMI).

NM_004260.4(RECQL4):c.3172C>G (p.Arg1058Gly)

Gene: RECQL4 (RecQ like helicase 4; minus strand). Cytogenetic location: 8q24.3.
Variant type: single nucleotide variant.
Coding change: c.3172C>G on transcript NM_004260.4 (MANE Select); coding-DNA position 3172, C replaced by G.
Protein change: p.Arg1058Gly; replaces arginine 1058 with glycine.
Molecular consequence: missense variant.
Genome position (GRCh38, 1-based): chr8:144,512,208, G>C on the plus strand (C>G on the coding strand, the complement: RECQL4 is on the minus strand). VCF-style: chr8-144512208-G-C. GRCh37 (hg19) VCF-style: chr8-145737591-G-C.
Other names: short protein forms R1058G.
Identifiers: ClinVar variation 135144 (VCV000135144.18), dbSNP rs375297971, ClinGen allele CA161845.